The following is an entry in ClinVar:

NM_004171.4(SLC1A2):c.1351C>G (p.Leu451Val)

Gene: SLC1A2 (solute carrier family 1 member 2; minus strand). Cytogenetic location: 11p13.
Variant type: single nucleotide variant.
Coding change: c.1351C>G on transcript NM_004171.4 (MANE Select); coding-DNA position 1351, C replaced by G.
Protein change: p.Leu451Val; replaces leucine 451 with valine.
Molecular consequence: missense variant.
Genome position (GRCh38, 1-based): chr11:35,280,937, G>C on the plus strand (C>G on the coding strand, the complement: SLC1A2 is on the minus strand). VCF-style: chr11-35280937-G-C. GRCh37 (hg19) VCF-style: chr11-35302484-G-C.
Other names: c.1324C>G, p.Leu442Val (NM_001195728.3, NM_001252652.2); c.1351C>G (NM_004171.3); short protein forms L442V, L451V.
Identifiers: ClinVar variation 2912352 (VCV002912352.4), dbSNP rs1591421831, ClinGen allele CA380121607.
Genomic context (GRCh38, chr11:35,280,937, plus strand): 5'-CCACAGCCACCAGCAGGCTGATGTCCTCTGTTGGCAGGCCCACGGCTGTCAGAATGAGGA[G>C]CATGGTGACCAGCCCGGCACTGGGGATACTGGCCGCGCCGACGCTTGCCAGGGTGGCTGT-3'
Protein context (NP_004162.2, residues 441-461): SIPSAGLVTM[Leu451Val]LILTAVGLPT

ClinVar aggregate classification (germline): Uncertain significance. Review status: criteria provided, multiple submitters, no conflicts (2 of 4 stars). 2 submissions from 2 submitters: Uncertain significance (2). Last evaluated 2025-02-14.

Conditions:
Inborn genetic diseases. Identifiers: MedGen C0950123, MeSH D030342.

gnomAD v4.1: 2 of 1,613,386 alleles (0.00012%); highest among the groups gnomAD compares: Admixed American, 0.0033%; no homozygotes.

Submissions (2):

Ambry Genetics
Classification: Uncertain significance for Inborn genetic diseases. Last evaluated: 2025-02-14. Review status: criteria provided, single submitter. Criteria: Ambry Variant Classification Scheme 2023. Collection method: clinical testing. Allele origin: germline.

Labcorp Genetics (formerly Invitae), Labcorp
Classification: Uncertain significance. Last evaluated: 2024-05-21. Review status: criteria provided, single submitter. Criteria: Invitae Variant Classification Sherloc (09022015). Collection method: clinical testing. Allele origin: germline.
Comment: This sequence change replaces leucine, which is neutral and non-polar, with valine, which is neutral and non-polar, at codon 451 of the SLC1A2 protein (p.Leu451Val). This variant is not present in population databases (gnomAD no frequency). This variant has not been reported in the literature in individuals affected with SLC1A2-related conditions. Advanced modeling of protein sequence and biophysical properties (such as structural, functional, and spatial information, amino acid conservation, physicochemical variation, residue mobility, and thermodynamic stability) performed at Invitae indicates that this missense variant is not expected to disrupt SLC1A2 protein function with a negative predictive value of 80%. In summary, the available evidence is currently insufficient to determine the role of this variant in disease. Therefore, it has been classified as a Variant of Uncertain Significance.